The following is an entry in ClinVar:

NM_019842.4(KCNQ5):c.2524C>A (p.Leu842Met)

Gene: KCNQ5 (potassium voltage-gated channel subfamily Q member 5; plus strand). Cytogenetic location: 6q13.
Variant type: single nucleotide variant.
Coding change: c.2524C>A on transcript NM_019842.4 (MANE Select); coding-DNA position 2524, C replaced by A.
Protein change: p.Leu842Met; replaces leucine 842 with methionine.
Molecular consequence: missense variant.
Genome position (GRCh38, 1-based): chr6:73,195,139, C>A. VCF-style: chr6-73195139-C-A. GRCh37 (hg19) VCF-style: chr6-73904862-C-A.
Other names: c.2497C>A, p.Leu833Met (NM_001160130.2); c.2554C>A, p.Leu852Met (NM_001160132.2); c.2581C>A, p.Leu861Met (NM_001160133.2); c.2194C>A, p.Leu732Met (NM_001160134.2); short protein forms L732M, L833M, L842M, L852M, L861M.
Identifiers: ClinVar variation 4538902 (VCV004538902.1).

ClinVar aggregate classification (germline): Uncertain significance (1 of 4 stars; one submission).

gnomAD v4.1: 1 of 1,614,212 alleles (0.000062%); highest among the groups gnomAD compares: Non-Finnish European, 0.000085%; no homozygotes.

Submission:

GeneDx
Classification: Uncertain significance. Last evaluated: 2025-06-17. Review status: criteria provided, single submitter. Criteria: GeneDx Variant Classification Process June 2021. Collection method: clinical testing. Allele origin: germline. Affected: yes.
Comment: Not observed at significant frequency in large population cohorts (gnomAD); In silico analysis suggests that this missense variant does not alter protein structure/function; Has not been previously published as pathogenic or benign to our knowledge